The following is an entry in ClinVar:

ClinVar aggregate classification (germline): Uncertain significance. Review status: criteria provided, multiple submitters, no conflicts (2 of 4 stars). 3 submissions from 3 submitters: Uncertain significance (3). Last evaluated 2024-11-28.

Conditions:
Familial adenomatous polyposis 1 (FAP1). Also called: POLYPOSIS, ADENOMATOUS INTESTINAL; FAMILIAL ADENOMATOUS POLYPOSIS 1, ATTENUATED. Identifiers: MedGen C2713442, MONDO:0021056, OMIM 175100. Disease mechanism: loss of function.
Hereditary cancer-predisposing syndrome. Also called: Hereditary neoplastic syndrome; Neoplastic Syndromes, Hereditary; Tumor predisposition; Hereditary Cancer Syndrome. Identifiers: Orphanet 140162, MedGen C0027672, MeSH D009386, MONDO:0015356.

Allele frequency attached by ClinVar (database versions not stated): TOPMed below 0.00001; gnomAD 0.00001.
gnomAD v4.1: 13 of 1,612,658 alleles (0.00081%); highest among the groups gnomAD compares: Non-Finnish European, 0.0011%; no homozygotes.

Submissions (3):

Ambry Genetics
Classification: Uncertain significance for Hereditary cancer-predisposing syndrome. Last evaluated: 2024-11-28. Review status: criteria provided, single submitter. Criteria: Ambry Variant Classification Scheme 2023. Collection method: clinical testing. Allele origin: germline.
Comment: The p.D1794V variant (also known as c.5381A>T), located in coding exon 15 of the APC gene, results from an A to T substitution at nucleotide position 5381. The aspartic acid at codon 1794 is replaced by valine, an amino acid with highly dissimilar properties. This amino acid position is conserved. In addition, in silico predictors for this gene do not accurately predict pathogenicity. Based on the available evidence, the clinical significance of this variant remains unclear.

Labcorp Genetics (formerly Invitae), Labcorp
Classification: Uncertain significance for Familial adenomatous polyposis 1. Last evaluated: 2023-08-16. Review status: criteria provided, single submitter. Criteria: Invitae Variant Classification Sherloc (09022015). Collection method: clinical testing. Allele origin: germline.
Comment: In summary, the available evidence is currently insufficient to determine the role of this variant in disease. Therefore, it has been classified as a Variant of Uncertain Significance. Advanced modeling of protein sequence and biophysical properties (such as structural, functional, and spatial information, amino acid conservation, physicochemical variation, residue mobility, and thermodynamic stability) performed at Invitae indicates that this missense variant is not expected to disrupt APC protein function. ClinVar contains an entry for this variant (Variation ID: 470003). This variant has not been reported in the literature in individuals affected with APC-related conditions. This variant is not present in population databases (gnomAD no frequency). This sequence change replaces aspartic acid, which is acidic and polar, with valine, which is neutral and non-polar, at codon 1794 of the APC protein (p.Asp1794Val).

GeneDx
Classification: Uncertain significance. Last evaluated: 2023-06-07. Review status: criteria provided, single submitter. Criteria: GeneDx Variant Classification Process June 2021. Collection method: clinical testing. Allele origin: germline. Affected: yes.
Comment: Not observed at significant frequency in large population cohorts (gnomAD); In silico analysis supports that this missense variant does not alter protein structure/function; Has not been previously published as pathogenic or benign to our knowledge; This variant is associated with the following publications: (PMID: 27397505, 18199528)

NM_000038.6(APC):c.5381A>T (p.Asp1794Val)

Gene: APC (APC regulator of Wnt signaling pathway; plus strand). Cytogenetic location: 5q22.2.
Variant type: single nucleotide variant.
Coding change: c.5381A>T on transcript NM_000038.6 (MANE Select); coding-DNA position 5381, A replaced by T.
Protein change: p.Asp1794Val; replaces aspartic acid 1794 with valine.
Molecular consequence: missense variant.
Genome position (GRCh38, 1-based): chr5:112,840,975, A>T. VCF-style: chr5-112840975-A-T. GRCh37 (hg19) VCF-style: chr5-112176672-A-T.
Other names: c.5381A>T, p.Asp1794Val (NM_001127510.3, NM_001354895.2); c.5327A>T, p.Asp1776Val (NM_001127511.3); c.5435A>T, p.Asp1812Val (NM_001354896.2); c.5411A>T, p.Asp1804Val (NM_001354897.2); c.5306A>T, p.Asp1769Val (NM_001354898.2); c.5297A>T, p.Asp1766Val (NM_001354899.2); c.5258A>T, p.Asp1753Val (NM_001354900.2); c.5204A>T, p.Asp1735Val (NM_001354901.2); and 5 more; short protein forms D1776V, D1794V, D1511V, D1812V, D1703V, D1769V, D1804V, D1634V.
Identifiers: ClinVar variation 470003 (VCV000470003.12), dbSNP rs1490241563, ClinGen allele CA16033091.
Genomic context (GRCh38, chr5:112,840,975, plus strand): 5'-CACCAGTAAAACCTATACCACAAAATACTGAATATAGGACACGTGTAAGAAAAAATGCAG[A>T]CTCAAAAAATAATTTAAATGCTGAGAGAGTTTTCTCAGACAACAAAGATTCAAAGAAACA-3'
Protein context (NP_000029.2, residues 1784-1804): EYRTRVRKNA[Asp1794Val]SKNNLNAERV